The following is an entry in ClinVar:

NM_001267550.2(TTN):c.69205G>A (p.Gly23069Ser)

Genes: TTN (titin; minus strand), TTN-AS1 (TTN antisense RNA 1; plus strand). Cytogenetic location: 2q31.2.
Variant type: single nucleotide variant.
Coding change: c.69205G>A on transcript NM_001267550.2 (MANE Select); coding-DNA position 69205, G replaced by A.
Protein change: p.Gly23069Ser; replaces glycine 23069 with serine.
Molecular consequence: missense variant.
Genome position (GRCh38, 1-based): chr2:178,577,130, C>T on the plus strand (G>A on the coding strand, the complement: TTN is on the minus strand). VCF-style: chr2-178577130-C-T. GRCh37 (hg19) VCF-style: chr2-179441857-C-T.
Other names: p.Gly21428Ser; c.64282G>A, p.Gly21428Ser (NM_001256850.1); c.42010G>A, p.Gly14004Ser (NM_003319.4); c.61501G>A, p.Gly20501Ser (NM_133378.4); c.42385G>A, p.Gly14129Ser (NM_133432.3); c.42586G>A, p.Gly14196Ser (NM_133437.4); short protein forms G14004S, G14129S, G14196S, G20501S, G21428S, G23069S.
Identifiers: ClinVar variation 2438343 (VCV002438343.5), dbSNP rs183977969, ClinGen allele CA1990970.

ClinVar aggregate classification (germline): Uncertain significance. Review status: criteria provided, multiple submitters, no conflicts (2 of 4 stars). 3 submissions from 3 submitters: Uncertain significance (3). Last evaluated 2026-03-03.

Conditions:
TTN-related disorder. Also called: TTN-related condition; TTN-related disease; TTN-related disorders.

Allele frequency attached by ClinVar (database versions not stated): gnomAD exomes 0.00002; gnomAD 0.00003; TOPMed 0.00003; ExAC 0.00007; ESP Exome Variant Server 0.00008; 1000 Genomes Project 30x 0.00016; 1000 Genomes Project 0.00020.
gnomAD v4.1: 35 of 1,613,056 alleles (0.0022%); highest among the groups gnomAD compares: Admixed American, 0.012%; no homozygotes.

Submissions (3):

PreventionGenetics, part of Exact Sciences
Classification: Uncertain significance for TTN-related condition. Last evaluated: 2026-03-03. Review status: criteria provided, single submitter. Criteria: ACMG Guidelines, 2015. Collection method: clinical testing. Allele origin: germline.
Comment: The TTN c.69205G>A variant is predicted to result in the amino acid substitution p.Gly23069Ser. To our knowledge, this variant has not been reported in the literature. This variant is reported in 0.014% of alleles in individuals of Latino descent in gnomAD. At this time, the clinical significance of this variant is uncertain due to the absence of conclusive functional and genetic evidence.

Mayo Clinic Laboratories, Mayo Clinic
Classification: Uncertain significance. Last evaluated: 2024-09-06. Review status: criteria provided, single submitter. Criteria: ACMG Guidelines, 2015. Collection method: clinical testing. Allele origin: germline. Observed: 1 variant allele.

Revvity Omics, Revvity
Classification: Uncertain significance. Last evaluated: 2020-03-25. Review status: criteria provided, single submitter. Criteria: ACMG Guidelines, 2015. Collection method: clinical testing. Allele origin: germline.